The following is an entry in ClinVar:

ClinVar aggregate classification (germline): Likely benign (0 of 4 stars; one submission).

Conditions:
NCOA1-related disorder. Also called: NCOA1-related condition.

Allele frequency attached by ClinVar (database versions not stated): TOPMed 0.00001; gnomAD 0.00002; gnomAD exomes 0.00004; ExAC 0.00006; ESP Exome Variant Server 0.00008.
gnomAD v4.1: 55 of 1,593,146 alleles (0.0035%); highest among the groups gnomAD compares: Middle Eastern, 0.017%; no homozygotes.

Submission:

PreventionGenetics, part of Exact Sciences
Classification: Likely benign for NCOA1-related condition. Last evaluated: 2019-10-29. Review status: no assertion criteria provided. Collection method: clinical testing. Allele origin: germline.
Comment: This variant is classified as likely benign based on ACMG/AMP sequence variant interpretation guidelines (Richards et al. 2015 PMID: 25741868, with internal and published modifications).

NM_003743.5(NCOA1):c.306T>C (p.Ser102=)

Gene: NCOA1 (nuclear receptor coactivator 1; plus strand). Cytogenetic location: 2p23.3.
Variant type: single nucleotide variant.
Coding change: c.306T>C on transcript NM_003743.5 (MANE Select); coding-DNA position 306, T replaced by C.
Protein change: p.Ser102=; no amino-acid change (serine 102 retained).
Molecular consequence: synonymous variant.
Genome position (GRCh38, 1-based): chr2:24,673,415, T>C. VCF-style: chr2-24673415-T-C. GRCh37 (hg19) VCF-style: chr2-24896284-T-C.
Other names: c.306T>C, p.Ser102= (NM_001362950.1, NM_001362952.1, NM_001362954.1 and 3 more transcripts).
Identifiers: ClinVar variation 3046061 (VCV003046061.2), dbSNP rs367797093, ClinGen allele CA1551981.